The following is an entry in ClinVar:

NM_001042492.3(NF1):c.4430G>A (p.Arg1477Lys)

Gene: NF1 (neurofibromin 1; plus strand). Cytogenetic location: 17q11.2.
Variant type: single nucleotide variant.
Coding change: c.4430G>A on transcript NM_001042492.3 (MANE Select); coding-DNA position 4430, G replaced by A.
Protein change: p.Arg1477Lys; replaces arginine 1477 with lysine.
Molecular consequence: missense variant.
Genome position (GRCh38, 1-based): chr17:31,259,129, G>A. VCF-style: chr17-31259129-G-A. GRCh37 (hg19) VCF-style: chr17-29586147-G-A.
Other names: c.4367G>A, p.Arg1456Lys (NM_000267.4); short protein forms R1456K, R1477K.
Identifiers: ClinVar variation 1020388 (VCV001020388.8), dbSNP rs1060500293, ClinGen allele CA398999014.

ClinVar aggregate classification (germline): Uncertain significance. Review status: criteria provided, multiple submitters, no conflicts (2 of 4 stars). 2 submissions from 2 submitters: Uncertain significance (2). Last evaluated 2025-01-28.

Conditions:
Cardiovascular phenotype. Identifiers: MedGen CN230736.
Hereditary cancer-predisposing syndrome. Also called: Hereditary neoplastic syndrome; Neoplastic Syndromes, Hereditary; Tumor predisposition; Hereditary Cancer Syndrome. Identifiers: Orphanet 140162, MedGen C0027672, MeSH D009386, MONDO:0015356.
Neurofibromatosis, type 1 (NF1). Also called: Peripheral type neurofibromatosis; Neurofibromatosis, type I; VON RECKLINGHAUSEN DISEASE; NEUROFIBROMATOSIS, TYPE I, SOMATIC. Identifiers: Orphanet 636, MedGen C0027831, MONDO:0018975, OMIM 162200. Disease mechanism: loss of function.

Allele frequency attached by ClinVar (database versions not stated): gnomAD exomes below 0.00001.
gnomAD v4.1: 2 of 1,593,872 alleles (0.00013%); highest among the groups gnomAD compares: Non-Finnish European, 0.00017%; no homozygotes.

Submissions (2):

Ambry Genetics
Classification: Uncertain significance for Cardiovascular phenotype; Hereditary cancer-predisposing syndrome. Last evaluated: 2025-01-28. Review status: criteria provided, single submitter. Criteria: Ambry Variant Classification Scheme 2023. Collection method: clinical testing. Allele origin: germline.
Comment: The c.4367G>A variant (also known as p.R1456K), located in coding exon 32 of the NF1 gene, results from a G to A substitution at nucleotide position 4367. The amino acid change results in arginine to lysine at codon 1456, an amino acid with highly similar properties. However, this change occurs in the last base pair of coding exon 32, which makes it likely to have some effect on normal mRNA splicing. This nucleotide position is highly conserved in available vertebrate species. In silico splice site analysis for this alteration is inconclusive. RNA studies have demonstrated that this alteration results in an incomplete splice defect; the clinical impact of this abnormal splicing is unknown at this time (Ambry internal data). In addition, as a missense substitution this is predicted to be inconclusive by in silico analysis. Based on the available evidence, the clinical significance of this variant remains unclear.

Labcorp Genetics (formerly Invitae), Labcorp
Classification: Uncertain significance for Neurofibromatosis, type 1. Last evaluated: 2024-02-14. Review status: criteria provided, single submitter. Criteria: Invitae Variant Classification Sherloc (09022015). Collection method: clinical testing. Allele origin: germline.
Comment: This sequence change replaces arginine, which is basic and polar, with lysine, which is basic and polar, at codon 1456 of the NF1 protein (p.Arg1456Lys). This variant also falls at the last nucleotide of exon 32, which is part of the consensus splice site for this exon. The frequency data for this variant in the population databases is considered unreliable, as metrics indicate poor data quality at this position in the gnomAD database. This variant has not been reported in the literature in individuals affected with NF1-related conditions. ClinVar contains an entry for this variant (Variation ID: 1020388). An algorithm developed to predict the effect of missense changes on protein structure and function (PolyPhen-2) suggests that this variant is likely to be disruptive. Variants that disrupt the consensus splice site are a relatively common cause of aberrant splicing (PMID: 17576681, 9536098). Algorithms developed to predict the effect of sequence changes on RNA splicing suggest that this variant may disrupt the consensus splice site. In summary, the available evidence is currently insufficient to determine the role of this variant in disease. Therefore, it has been classified as a Variant of Uncertain Significance.

Literature cited by the submitters: PubMed 17576681 (cited by Labcorp Genetics (formerly Invitae), Labcorp); PubMed 9536098 (cited by Labcorp Genetics (formerly Invitae), Labcorp).